The following is an entry in ClinVar:

NM_006269.2(RP1):c.616-2A>G

Gene: RP1 (RP1 axonemal microtubule associated; plus strand). Cytogenetic location: 8q12.1.
Variant type: single nucleotide variant.
Coding change: c.616-2A>G on transcript NM_006269.2 (MANE Select); the canonical splice acceptor site of the intron before coding-DNA position 616, A replaced by G.
Molecular consequence: splice acceptor variant.
Genome position (GRCh38, 1-based): chr8:54,622,115, A>G. VCF-style: chr8-54622115-A-G. GRCh37 (hg19) VCF-style: chr8-55534675-A-G.
Other names: c.616-2A>G (NM_001375654.1).
Identifiers: ClinVar variation 3776238 (VCV003776238.1).
Genomic context (GRCh38, chr8:54,622,115, plus strand): 5'-ATAAAATTACCACTTAGTATAAAATGTGCTCATCTCAGGATAATGACTCTGGTCTCTTTT[A>G]GGTTCCCAGCCTCCAGGCAGTGATCCTGAGCTCTGGAGCTGTGGTGGCGGCAGGAAGGGA-3'

ClinVar aggregate classification (germline): Likely pathogenic (1 of 4 stars; one submission).

Conditions:
Retinitis pigmentosa 1 (RP1). Identifiers: Orphanet 791, MedGen C0220701, MONDO:0008377, OMIM 180100.

gnomAD v4.1: 1 of 1,614,134 alleles (0.000062%); highest among the groups gnomAD compares: East Asian, 0.0022%; no homozygotes.

Submission:

3billion
Classification: Likely pathogenic for Retinitis pigmentosa 1. Last evaluated: 2023-12-19. Review status: criteria provided, single submitter. Criteria: ACMG Guidelines, 2015. Collection method: clinical testing. Allele origin: germline. Affected: yes.
Comment: The variant is not observed in the gnomAD v2.1.1 dataset. Predicted Consequence/Location: Canonical splice site: predicted to alter splicing and result in a loss or disruption of normal protein function. Multiple pathogenic loss-of-function variants are reported downstream of the variant. In silico tools predict the variant to alter splicing and produce an abnormal transcript [Splice AI: 0.92 (spliceogenicity >=0.2, non-spliceogenicity <0.1)]. Therefore, this variant is classified as Likely pathogenic according to the recommendation of ACMG/AMP guideline.